The following is an entry in ClinVar:

NM_001387283.1(SMARCA4):c.4265A>C (p.Lys1422Thr)

Gene: SMARCA4 (SWI/SNF related BAF chromatin remodeling complex subunit ATPase 4; plus strand). Cytogenetic location: 19p13.2.
Variant type: single nucleotide variant.
Coding change: c.4265A>C on transcript NM_001387283.1 (MANE Plus Clinical); coding-DNA position 4265, A replaced by C.
Protein change: p.Lys1422Thr; replaces lysine 1422 with threonine.
Molecular consequence: missense variant. On other transcripts: intron variant (7).
Genome position (GRCh38, 1-based): chr19:11,039,552, A>C. VCF-style: chr19-11039552-A-C. GRCh37 (hg19) VCF-style: chr19-11150228-A-C.
Other names: c.4265A>C, p.Lys1422Thr (NM_001128849.3); c.4171-1755A>C (NM_001128844.3, NM_003072.5); c.4072-1755A>C (NM_001128847.4, NM_001374457.1, NM_001128848.2); c.4072-1746A>C (NM_001128845.2, NM_001128846.2); short protein forms K1422T.
Identifiers: ClinVar variation 408607 (VCV000408607.8), dbSNP rs1060502061, ClinGen allele CA16616181.

ClinVar aggregate classification (germline): Uncertain significance (1 of 4 stars; one submission).

Conditions:
Rhabdoid tumor predisposition syndrome 2 (RTPS2). Identifiers: Orphanet 231108, Orphanet 69077, MedGen C2750074, MONDO:0013224, OMIM 613325.

Submission:

Labcorp Genetics (formerly Invitae), Labcorp
Classification: Uncertain significance for Rhabdoid tumor predisposition syndrome 2. Last evaluated: 2016-10-24. Review status: criteria provided, single submitter. Criteria: Invitae Variant Classification Sherloc (09022015). Collection method: clinical testing. Allele origin: germline.
Comment: This sequence change replaces lysine with threonine at codon 1422 of the SMARCA4 protein (p.Lys1422Thr). The lysine residue is moderately conserved and there is a moderate physicochemical difference between lysine and threonine. This variant is not present in population databases (ExAC no frequency) and has not been reported in the literature in individuals with a SMARCA4-related disease. Algorithms developed to predict the effect of missense changes on protein structure and function (SIFT, PolyPhen-2, Align-GVGD) all suggest that this variant is likely to be tolerated, but these predictions have not been confirmed by published functional studies. Algorithms developed to predict the effect of sequence changes on RNA splicing suggest that this variant may alter RNA splicing, but this prediction has not been confirmed by published transcriptional studies. In summary, this variant is a novel missense change with uncertain impact on protein function. It has been classified as a Variant of Uncertain Significance.